The following is an entry in ClinVar:

NM_001267550.2(TTN):c.54132A>G (p.Thr18044=)

Genes: TTN (titin; minus strand), TTN-AS1 (TTN antisense RNA 1; plus strand). Cytogenetic location: 2q31.2.
Variant type: single nucleotide variant.
Coding change: c.54132A>G on transcript NM_001267550.2 (MANE Select); coding-DNA position 54132, A replaced by G.
Protein change: p.Thr18044=; no amino-acid change (threonine 18044 retained).
Molecular consequence: synonymous variant. On other transcripts: non-coding transcript variant (1).
Genome position (GRCh38, 1-based): chr2:178,605,045, T>C on the plus strand (A>G on the coding strand, the complement: TTN is on the minus strand). VCF-style: chr2-178605045-T-C. GRCh37 (hg19) VCF-style: chr2-179469772-T-C.
Other names: c.49209A>G, p.Thr16403= (NM_001256850.1); c.26937A>G, p.Thr8979= (NM_003319.4); c.46428A>G, p.Thr15476= (NM_133378.4); c.27312A>G, p.Thr9104= (NM_133432.3); c.27513A>G, p.Thr9171= (NM_133437.4).
Identifiers: ClinVar variation 755334 (VCV000755334.41), dbSNP rs764321069, ClinGen allele CA1993691.

ClinVar aggregate classification (germline): Likely benign. Review status: criteria provided, multiple submitters, no conflicts (2 of 4 stars). 3 submissions from 3 submitters: Likely benign (3). Last evaluated 2026-07-01.

Conditions:
Cardiovascular phenotype. Identifiers: MedGen CN230736.
Dilated cardiomyopathy 1G (CMD1G). Identifiers: Orphanet 154, MedGen C1858763, MONDO:0011400, OMIM 604145.
Autosomal recessive limb-girdle muscular dystrophy type 2J (LGMDR10). Also called: MUSCULAR DYSTROPHY, LIMB-GIRDLE, AUTOSOMAL RECESSIVE 10; Limb-girdle muscular dystrophy, type 2J. Identifiers: Orphanet 140922, MedGen C1837342, MONDO:0012127, OMIM 608807.

Allele frequency attached by ClinVar (database versions not stated): ExAC 0.00001; gnomAD 0.00001; gnomAD exomes 0.00001; TOPMed 0.00001.
gnomAD v4.1: 8 of 1,611,036 alleles (0.0005%); highest among the groups gnomAD compares: Admixed American, 0.0017%; no homozygotes.

Submissions (3):

CeGaT Center for Human Genetics Tuebingen
Classification: Likely benign. Last evaluated: 2026-07-01. Review status: criteria provided, single submitter. Criteria: CeGaT Center For Human Genetics Tuebingen Variant Classification Criteria Version 2. Collection method: clinical testing. Allele origin: germline. Affected: yes. Observed: 8 variant alleles.
Comment: TTN: BP4, BP7

Labcorp Genetics (formerly Invitae), Labcorp
Classification: Likely benign for Dilated cardiomyopathy 1G; Autosomal recessive limb-girdle muscular dystrophy type 2J. Last evaluated: 2024-04-22. Review status: criteria provided, single submitter. Criteria: Invitae Variant Classification Sherloc (09022015). Collection method: clinical testing. Allele origin: germline.

Ambry Genetics
Classification: Likely benign for Cardiovascular phenotype. Last evaluated: 2023-05-13. Review status: criteria provided, single submitter. Criteria: Ambry Variant Classification Scheme 2023. Collection method: clinical testing. Allele origin: germline.